The following is an entry in ClinVar:

ClinVar aggregate classification (germline): Uncertain significance (1 of 4 stars; one submission).

Submission:

GeneDx
Classification: Uncertain significance. Last evaluated: 2025-05-23. Review status: criteria provided, single submitter. Criteria: GeneDx Variant Classification Process June 2021. Collection method: clinical testing. Allele origin: germline. Affected: yes.
Comment: Not observed at significant frequency in large population cohorts (gnomAD); In silico analysis supports that this missense variant has a deleterious effect on protein structure/function; Has not been previously published as pathogenic or benign to our knowledge

NM_001385012.1(NBEA):c.3217G>T (p.Asp1073Tyr)

Gene: NBEA (neurobeachin; plus strand). Cytogenetic location: 13q13.3.
Variant type: single nucleotide variant.
Coding change: c.3217G>T on transcript NM_001385012.1 (MANE Select); coding-DNA position 3217, G replaced by T.
Protein change: p.Asp1073Tyr; replaces aspartic acid 1073 with tyrosine.
Molecular consequence: missense variant.
Genome position (GRCh38, 1-based): chr13:35,159,388, G>T. VCF-style: chr13-35159388-G-T. GRCh37 (hg19) VCF-style: chr13-35733525-G-T.
Other names: c.3217G>T, p.Asp1073Tyr (NM_001379245.1, NM_015678.5); short protein forms D1073Y.
Identifiers: ClinVar variation 4530754 (VCV004530754.1).